The following is an entry in ClinVar:

ClinVar aggregate classification (germline): Likely pathogenic. Review status: criteria provided, multiple submitters, no conflicts (2 of 4 stars). 3 submissions from 3 submitters: Likely pathogenic (2). 1 of the submissions does not count toward it. Last evaluated 2022-04-06.

Conditions:
Robinow syndrome, autosomal recessive 2. Identifiers: MedGen C5193143, MONDO:0032800, OMIM 618529.
Distal shortening of limbs. Identifiers: MedGen C1840307, HP:0006402.

Allele frequency attached by ClinVar (database versions not stated): gnomAD exomes below 0.00001.

Submissions (3):

GeneDx
Classification: Likely pathogenic. Last evaluated: 2022-04-06. Review status: criteria provided, single submitter. Criteria: GeneDx Variant Classification Process June 2021. Collection method: clinical testing. Allele origin: germline. Affected: yes.
Comment: Nonsense variant predicted to result in protein truncation or nonsense mediated decay in a gene for which loss-of-function is not a known mechanism of disease; Not observed at significant frequency in large population cohorts (gnomAD); This variant is associated with the following publications: (PMID: 33237614, 29276006)

Lupski Lab, Baylor-Hopkins CMG, Baylor College of Medicine
Classification: Likely pathogenic for Distal shortening of limbs. Last evaluated: 2017-06-01. Review status: criteria provided, single submitter. Criteria: White et al. (Am J Hum Genet. 2018). Collection method: research. Allele origin: unknown. Affected: yes.

OMIM
Classification: Pathogenic for ROBINOW SYNDROME, AUTOSOMAL RECESSIVE 2. Last evaluated: 2019-08-08. Review status: no assertion criteria provided. Collection method: literature only. Allele origin: germline. Not counted in ClinVar's aggregate classification.

Literature cited by the submitters: PubMed 29276006 (cited by OMIM).

NM_022463.5(NXN):c.625C>T (p.Arg209Ter)

Gene: NXN (nucleoredoxin; minus strand). Cytogenetic location: 17p13.3.
Variant type: single nucleotide variant.
Coding change: c.625C>T on transcript NM_022463.5 (MANE Select); coding-DNA position 625, C replaced by T.
Protein change: p.Arg209Ter; replaces arginine 209 with a stop codon.
Molecular consequence: nonsense.
Genome position (GRCh38, 1-based): chr17:822,445, G>A on the plus strand (C>T on the coding strand, the complement: NXN is on the minus strand). VCF-style: chr17-822445-G-A. GRCh37 (hg19) VCF-style: chr17-725685-G-A.
Other names: c.301C>T, p.Arg101Ter (NM_001205319.1); short protein forms R209*, R101*.
Identifiers: ClinVar variation 488056 (VCV000488056.4), dbSNP rs1555610590, ClinGen allele CA397492456.